The following is an entry in ClinVar:

NM_003482.4(KMT2D):c.13318del (p.Pro4439_Ile4440insTer)

Gene: KMT2D (lysine methyltransferase 2D; minus strand). Cytogenetic location: 12q13.12.
Variant type: Deletion.
Coding change: c.13318del on transcript NM_003482.4 (MANE Select); coding-DNA position 13318, one base deleted (A; older notation c.13318delA).
Protein change: p.Pro4439_Ile4440insTer.
Molecular consequence: nonsense.
Genome position (GRCh38, 1-based): chr12:49,031,387, T deleted on the plus strand (A on the coding strand, the reverse complement: KMT2D is on the minus strand); the first of 2 consecutive T bases (chr12:49,031,387-49,031,388); deleting either gives the same sequence. VCF-style (leftmost placement, unchanged base first): chr12-49031386-AT-A. GRCh37 (hg19) VCF-style: chr12-49425169-AT-A.
Identifiers: ClinVar variation 2798746 (VCV002798746.3), dbSNP rs2498350974, ClinGen allele CA2739271972.

ClinVar aggregate classification (germline): Pathogenic (1 of 4 stars; one submission).

Conditions:
Kabuki syndrome. Also called: Kabuki make-up syndrome; NIIKAWA-KUROKI SYNDROME. Identifiers: Orphanet 2322, MedGen C0796004, MONDO:0016512.

Submission:

Labcorp Genetics (formerly Invitae), Labcorp
Classification: Pathogenic for Kabuki syndrome. Last evaluated: 2022-12-13. Review status: criteria provided, single submitter. Criteria: Invitae Variant Classification Sherloc (09022015). Collection method: clinical testing. Allele origin: germline.
Comment: For these reasons, this variant has been classified as Pathogenic. This variant has not been reported in the literature in individuals affected with KMT2D-related conditions. This variant is not present in population databases (gnomAD no frequency). This sequence change creates a premature translational stop signal (p.Ile4440*) in the KMT2D gene. It is expected to result in an absent or disrupted protein product. Loss-of-function variants in KMT2D are known to be pathogenic (PMID: 22126750).

Literature cited by the submitters: PubMed 22126750.